The following is an entry in ClinVar:

ClinVar aggregate classification (germline): Uncertain significance (1 of 4 stars; one submission).

Submission:

Labcorp Genetics (formerly Invitae), Labcorp
Classification: Uncertain significance. Last evaluated: 2025-11-18. Review status: criteria provided, single submitter. Criteria: Invitae Variant Classification Sherloc (09022015). Collection method: clinical testing. Allele origin: germline.
Comment: This variant, c.439_453del, results in the deletion of 5 amino acid(s) of the IRF2BP2 protein (p.Thr147_Pro151del), but otherwise preserves the integrity of the reading frame. This variant is present in population databases (rs778733039, gnomAD 0.003%). This variant has not been reported in the literature in individuals affected with IRF2BP2-related conditions. ClinVar contains an entry for this variant (Variation ID: 1466594). Experimental studies and prediction algorithms are not available or were not evaluated, and the functional significance of this variant is currently unknown. In summary, the available evidence is currently insufficient to determine the role of this variant in disease. Therefore, it has been classified as a Variant of Uncertain Significance.

NM_182972.3(IRF2BP2):c.439_453del (p.Thr147_Pro151del)

Genes: IRF2BP2 (interferon regulatory factor 2 binding protein 2; minus strand), LOC129932812 (ATAC-STARR-seq lymphoblastoid silent region 1977; plus strand). Cytogenetic location: 1q42.3.
Variant type: Deletion.
Coding change: c.439_453del on transcript NM_182972.3 (MANE Select); coding-DNA positions 439 to 453, 15 bases deleted (ACGCCGCAGCCGCCG).
Protein change: p.Thr147_Pro151del.
Molecular consequence: inframe deletion.
Genome position (GRCh38, 1-based): chr1:234,609,042-234,609,056, CGGCGGCTGCGGCGT deleted on the plus strand (ACGCCGCAGCCGCCG on the coding strand, the reverse complement: IRF2BP2 is on the minus strand); deleting any 15 consecutive bases within chr1:234,609,042-234,609,065 gives the same sequence; the c. name uses the placement nearest the transcript's 3' end. VCF-style (leftmost placement, unchanged base first): chr1-234609041-GCGGCGGCTGCGGCGT-G. GRCh37 (hg19) VCF-style: chr1-234744787-GCGGCGGCTGCGGCGT-G.
Other names: c.439_453del, p.Thr147_Pro151del (NM_001077397.1).
Identifiers: ClinVar variation 1466594 (VCV001466594.6), dbSNP rs778733039, ClinGen allele CA1461850.